The following is an entry in ClinVar:

NM_004006.3(DMD):c.1470ACA[2] (p.Gln492del)

Gene: DMD (dystrophin; minus strand). Cytogenetic location: Xp21.1.
Variant type: Microsatellite.
Coding change: c.1470ACA[2] on transcript NM_004006.3 (MANE Select); two copies in a row of the 3-base unit ACA starting at c.1470; the reference has three copies in a row; one copy, 3 bases deleted.
Protein change: p.Gln492del; deletes glutamine 492.
Molecular consequence: inframe deletion.
Genome position (GRCh38, 1-based): chrX:32,614,307-32,614,309, TGT deleted on the plus strand (ACA on the coding strand, the reverse complement: DMD is on the minus strand); deleting any 3 consecutive bases within chrX:32,614,307-32,614,315 gives the same sequence; the position shown is the placement nearest the transcript's 3' end. VCF-style (leftmost placement, unchanged base first): chrX-32614306-ATGT-A. GRCh37 (hg19) VCF-style: chrX-32632423-ATGT-A.
Other names: c.1446ACA[2], p.Gln484del (NM_000109.4); c.1458ACA[2], p.Gln488del (NM_004009.3); c.1101ACA[2], p.Gln369del (NM_004010.3); short protein forms Q488del, Q492del, Q369del, Q484del.
Identifiers: ClinVar variation 1353314 (VCV001353314.8), dbSNP rs2149349491, ClinGen allele CA2580616948.

ClinVar aggregate classification (germline): Uncertain significance (1 of 4 stars; one submission).

Conditions:
Duchenne muscular dystrophy (DMD). Also called: MUSCULAR DYSTROPHY, PSEUDOHYPERTROPHIC PROGRESSIVE, DUCHENNE TYPE; Duchenne Muscular Dystrophy (DMD). Identifiers: Orphanet 98896, MedGen C0013264, MONDO:0010679, OMIM 310200.

Submission:

Labcorp Genetics (formerly Invitae), Labcorp
Classification: Uncertain significance for Duchenne muscular dystrophy. Last evaluated: 2021-06-04. Review status: criteria provided, single submitter. Criteria: Invitae Variant Classification Sherloc (09022015). Collection method: clinical testing. Allele origin: germline.
Comment: This variant is not present in population databases (ExAC no frequency). This variant, c.1476_1478del, results in the deletion of 1 amino acid(s) of the DMD protein (p.Gln492del), but otherwise preserves the integrity of the reading frame. This variant has not been reported in the literature in individuals with DMD-related conditions. In summary, the available evidence is currently insufficient to determine the role of this variant in disease. Therefore, it has been classified as a Variant of Uncertain Significance. Experimental studies and prediction algorithms are not available or were not evaluated, and the functional significance of this variant is currently unknown.